The following is an entry in ClinVar:

ClinVar aggregate classification (germline): Likely benign (1 of 4 stars; one submission).

Conditions:
CRB2-related disorder. Also called: CRB2-related disorders; CRB2-related condition.

gnomAD v4.1: 59 of 1,613,674 alleles (0.0037%); highest among the groups gnomAD compares: Admixed American, 0.01%; no homozygotes.

Submission:

PreventionGenetics, part of Exact Sciences
Classification: Likely benign for CRB2-related condition. Last evaluated: 2026-02-17. Review status: criteria provided, single submitter. Criteria: ACMG Guidelines, 2015. Collection method: clinical testing. Allele origin: germline.
Comment: This variant is classified as likely benign based on ACMG/AMP sequence variant interpretation guidelines (Richards et al. 2015 PMID: 25741868, with internal and published modifications).

NM_173689.7(CRB2):c.1329G>C (p.Val443=)

Gene: CRB2 (crumbs cell polarity complex component 2; plus strand). Cytogenetic location: 9q33.3.
Variant type: single nucleotide variant.
Coding change: c.1329G>C on transcript NM_173689.7 (MANE Select); coding-DNA position 1329, G replaced by C.
Protein change: p.Val443=; no amino-acid change (valine 443 retained).
Molecular consequence: synonymous variant. On other transcripts: non-coding transcript variant (1).
Genome position (GRCh38, 1-based): chr9:123,370,382, G>C. VCF-style: chr9-123370382-G-C. GRCh37 (hg19) VCF-style: chr9-126132661-G-C.
Identifiers: ClinVar variation 4981329 (VCV004981329.1).